The following is an entry in ClinVar:

ClinVar aggregate classification (germline): Uncertain significance. Review status: criteria provided, multiple submitters, no conflicts (2 of 4 stars). 2 submissions from 2 submitters: Uncertain significance (2). Last evaluated 2025-01-29.

Conditions:
Lethal congenital glycogen storage disease of heart. Also called: GLYCOGEN STORAGE DISEASE OF HEART; PHOSPHORYLASE KINASE DEFICIENCY OF HEART. Identifiers: Orphanet 439854, MedGen C1849813, MONDO:0009867, OMIM 261740.
Cardiomyopathy (CMYO). Also called: Cardiomyopathies. Identifiers: Orphanet 167848, MedGen C0878544, MONDO:0004994, HP:0001638. Inheritance: Various modes of inheritance.

Submissions (2):

Labcorp Genetics (formerly Invitae), Labcorp
Classification: Uncertain significance for Lethal congenital glycogen storage disease of heart. Last evaluated: 2025-01-29. Review status: criteria provided, single submitter. Criteria: Invitae Variant Classification Sherloc (09022015). Collection method: clinical testing. Allele origin: germline.
Comment: This sequence change replaces lysine, which is basic and polar, with glutamine, which is neutral and polar, at codon 227 of the PRKAG2 protein (p.Lys227Gln). This variant is not present in population databases (gnomAD no frequency). This variant has not been reported in the literature in individuals affected with PRKAG2-related conditions. ClinVar contains an entry for this variant (Variation ID: 926758). Invitae Evidence Modeling of protein sequence and biophysical properties (such as structural, functional, and spatial information, amino acid conservation, physicochemical variation, residue mobility, and thermodynamic stability) indicates that this missense variant is not expected to disrupt PRKAG2 protein function with a negative predictive value of 95%. In summary, the available evidence is currently insufficient to determine the role of this variant in disease. Therefore, it has been classified as a Variant of Uncertain Significance.

Color Diagnostics, LLC DBA Color Health
Classification: Uncertain significance for Cardiomyopathy. Last evaluated: 2023-12-04. Review status: criteria provided, single submitter. Criteria: ACMG Guidelines, 2015. Collection method: clinical testing. Allele origin: germline.
Comment: This missense variant replaces lysine with glutamine at codon 227 of the PRKAG2 protein. Computational prediction tools and conservation analyses are inconclusive regarding the impact of this variant on protein structure and function. Splice site prediction tools suggest that this variant may not impact RNA splicing. To our knowledge, functional studies have not been performed for this variant. This variant has not been reported in individuals affected with cardiovascular disorders in the literature. This variant has not been identified in the general population by the Genome Aggregation Database (gnomAD). The available evidence is insufficient to determine the role of this variant in disease conclusively. Therefore, this variant is classified as a Variant of Uncertain Significance.

NM_016203.4(PRKAG2):c.679A>C (p.Lys227Gln)

Gene: PRKAG2 (protein kinase AMP-activated non-catalytic subunit gamma 2; minus strand). Cytogenetic location: 7q36.1.
Variant type: single nucleotide variant.
Coding change: c.679A>C on transcript NM_016203.4 (MANE Select); coding-DNA position 679, A replaced by C.
Protein change: p.Lys227Gln; replaces lysine 227 with glutamine.
Molecular consequence: missense variant.
Genome position (GRCh38, 1-based): chr7:151,675,425, T>G on the plus strand (A>C on the coding strand, the complement: PRKAG2 is on the minus strand). VCF-style: chr7-151675425-T-G. GRCh37 (hg19) VCF-style: chr7-151372511-T-G.
Other names: c.547A>C, p.Lys183Gln (NM_001040633.2); c.307A>C, p.Lys103Gln (NM_001304527.2, NM_001363698.2); short protein forms K183Q, K227Q, K103Q.
Identifiers: ClinVar variation 926758 (VCV000926758.7), dbSNP rs766460601, ClinGen allele CA370186749.